The following is an entry in ClinVar:

ClinVar aggregate classification (germline): Uncertain significance (1 of 4 stars; one submission).

Conditions:
Perlman syndrome (PRLMNS). Identifiers: Orphanet 2849, MedGen C0796113, MONDO:0009965, OMIM 267000.

Submission:

Labcorp Genetics (formerly Invitae), Labcorp
Classification: Uncertain significance for Perlman syndrome. Last evaluated: 2020-11-13. Review status: criteria provided, single submitter. Criteria: Invitae Variant Classification Sherloc (09022015). Collection method: clinical testing. Allele origin: germline.
Comment: This sequence change creates a premature translational stop signal (p.Glu874Valfs*2) in the DIS3L2 gene. While this is not anticipated to result in nonsense mediated decay, it is expected to disrupt the last 12 amino acid(s) of the DIS3L2 protein. This variant is not present in population databases (ExAC no frequency). In summary, the available evidence is currently insufficient to determine the role of this variant in disease. Therefore, it has been classified as a Variant of Uncertain Significance. Algorithms developed to predict the effect of sequence changes on RNA splicing suggest that this variant may create or strengthen a splice site, but this prediction has not been confirmed by published transcriptional studies. This variant has not been reported in the literature in individuals with DIS3L2-related conditions.

NM_152383.5(DIS3L2):c.2621_2622del (p.Glu874fs)

Gene: DIS3L2 (DIS3 like 3'-5' exoribonuclease 2; plus strand). Cytogenetic location: 2q37.1.
Variant type: Deletion.
Coding change: c.2621_2622del on transcript NM_152383.5 (MANE Select); coding-DNA positions 2621 to 2622, 2 bases deleted (AG; older notation c.2621_2622delAG).
Protein change: p.Glu874fs; shifts the reading frame from glutamic acid 874.
Molecular consequence: frameshift variant. On other transcripts: non-coding transcript variant (2), intron variant (1).
Genome position (GRCh38, 1-based): chr2:232,336,593-232,336,594, AG deleted; deleting any 2 consecutive bases within chr2:232,336,592-232,336,594 gives the same sequence; the c. name uses the placement nearest the transcript's 3' end. VCF-style (leftmost placement, unchanged base first): chr2-232336591-GGA-G. GRCh37 (hg19) VCF-style: chr2-233201301-GGA-G.
Other names: c.1582-6752_1582-6751del (NM_001257281.2); short protein forms E874fs.
Identifiers: ClinVar variation 1361427 (VCV001361427.8), dbSNP rs2106357453, ClinGen allele CA2573135580.